The following is an entry in ClinVar:

ClinVar aggregate classification (germline): Uncertain significance (1 of 4 stars; one submission).

Conditions:
Hereditary hemorrhagic telangiectasia (HHT). Also called: ORW DISEASE; Osler Weber Rendu syndrome; OSLER-RENDU-WEBER DISEASE; Osler hemorrhagic telangiectasia syndrome. Identifiers: Orphanet 774, MedGen C0039445, MONDO:0019180. Disease mechanism: loss of function.

Submission:

Labcorp Genetics (formerly Invitae), Labcorp
Classification: Uncertain significance for Hereditary hemorrhagic telangiectasia. Last evaluated: 2025-11-10. Review status: criteria provided, single submitter. Criteria: Invitae Variant Classification Sherloc (09022015). Collection method: clinical testing. Allele origin: germline.
Comment: This sequence change replaces arginine, which is basic and polar, with proline, which is neutral and non-polar, at codon 197 of the ENG protein (p.Arg197Pro). This variant is not present in population databases (gnomAD no frequency). This missense change has been observed in individual(s) with clinical features of hereditary hemorrhagic telangiectasia (PMID: 17786384, 25970827; internal data). Invitae Evidence Modeling of protein sequence and biophysical properties (such as structural, functional, and spatial information, amino acid conservation, physicochemical variation, residue mobility, and thermodynamic stability) indicates that this missense variant is not expected to disrupt ENG protein function with a negative predictive value of 95%. In summary, the available evidence is currently insufficient to determine the role of this variant in disease. Therefore, it has been classified as a Variant of Uncertain Significance.

Literature cited by the submitters: PubMed 17786384; PubMed 25970827.

NM_001114753.3(ENG):c.590G>C (p.Arg197Pro)

Gene: ENG (endoglin; minus strand). Cytogenetic location: 9q34.11.
Variant type: single nucleotide variant.
Coding change: c.590G>C on transcript NM_001114753.3 (MANE Select); coding-DNA position 590, G replaced by C.
Protein change: p.Arg197Pro; replaces arginine 197 with proline.
Molecular consequence: missense variant.
Genome position (GRCh38, 1-based): chr9:127,825,794, C>G on the plus strand (G>C on the coding strand, the complement: ENG is on the minus strand). VCF-style: chr9-127825794-C-G. GRCh37 (hg19) VCF-style: chr9-130588073-C-G.
Other names: c.590G>C, p.Arg197Pro (NM_000118.4, NM_001406715.1); c.44G>C, p.Arg15Pro (NM_001278138.2); short protein forms R15P, R197P.
Identifiers: ClinVar variation 4709701 (VCV004709701.1).